The following is an entry in ClinVar:

NM_000188.3(HK1):c.2744C>G (p.Ala915Gly)

Gene: HK1 (hexokinase 1; plus strand). Cytogenetic location: 10q22.1.
Variant type: single nucleotide variant.
Coding change: c.2744C>G on transcript NM_000188.3 (MANE Select); coding-DNA position 2744, C replaced by G.
Protein change: p.Ala915Gly; replaces alanine 915 with glycine.
Molecular consequence: missense variant.
Genome position (GRCh38, 1-based): chr10:69,401,125, C>G. VCF-style: chr10-69401125-C-G. GRCh37 (hg19) VCF-style: chr10-71160881-C-G.
Other names: c.2756C>G, p.Ala919Gly (NM_001322364.2, NM_001358263.1, NM_033497.3 and 1 more transcripts); c.2849C>G, p.Ala950Gly (NM_001322365.2); c.2660C>G, p.Ala887Gly (NM_001322366.1); c.2648C>G, p.Ala883Gly (NM_001322367.1); c.2741C>G, p.Ala914Gly (NM_033496.3); c.2708C>G, p.Ala903Gly (NM_033500.2); short protein forms A950G, A883G, A915G, A887G, A903G, A914G, A919G.
Identifiers: ClinVar variation 1491984 (VCV001491984.6), dbSNP rs1195746428, ClinGen allele CA376918390.
Genomic context (GRCh38, chr10:69,401,125, plus strand): 5'-ATGGCAGCGGCAAGGGGGCCGCCCTCATCACGGCCGTGGGCGTGCGGTTACGCACAGAGG[C>G]AAGCAGCTAAGAGTCCGGGATCCCCAGCCTACTGCCTCTCCAGCACTTCTCTCTTCAAGC-3'
Protein context (NP_000179.2, residues 905-917): TAVGVRLRTE[Ala915Gly]SS

ClinVar aggregate classification (germline): Uncertain significance (1 of 4 stars; one submission).

Allele frequency attached by ClinVar (database versions not stated): gnomAD exomes 0.00002 and 0.00003; TOPMed 0.00003.
gnomAD v4.1: 9 of 1,613,814 alleles (0.00056%); highest among the groups gnomAD compares: Admixed American, 0.015%; no homozygotes.

Submission:

Labcorp Genetics (formerly Invitae), Labcorp
Classification: Uncertain significance. Last evaluated: 2025-04-21. Review status: criteria provided, single submitter. Criteria: Invitae Variant Classification Sherloc (09022015). Collection method: clinical testing. Allele origin: germline.
Comment: This sequence change replaces alanine, which is neutral and non-polar, with glycine, which is neutral and non-polar, at codon 915 of the HK1 protein (p.Ala915Gly). This variant is present in population databases (no rsID available, gnomAD 0.02%). This variant has not been reported in the literature in individuals affected with HK1-related conditions. ClinVar contains an entry for this variant (Variation ID: 1491984). An algorithm developed to predict the effect of missense changes on protein structure and function outputs the following: PolyPhen-2: "Benign". The glycine amino acid residue is found in multiple mammalian species, which suggests that this missense change does not adversely affect protein function. In summary, the available evidence is currently insufficient to determine the role of this variant in disease. Therefore, it has been classified as a Variant of Uncertain Significance.